The following is an entry in ClinVar:

ClinVar aggregate classification (germline): Uncertain significance. Review status: criteria provided, multiple submitters, no conflicts (2 of 4 stars). 3 submissions from 3 submitters: Uncertain significance (3). Last evaluated 2023-03-17.

Conditions:
Cerebral palsy, spastic quadriplegic, 2 (CPSQ2). Identifiers: Orphanet 210141, MedGen C2752061, MONDO:0013033, OMIM 612900.

Allele frequency attached by ClinVar (database versions not stated): ExAC 0.00001; gnomAD exomes 0.00001.

Submissions (3):

Ambry Genetics
Classification: Uncertain significance. Last evaluated: 2023-03-17. Review status: criteria provided, single submitter. Criteria: Ambry Variant Classification Scheme 2023. Collection method: clinical testing. Allele origin: germline.

Fulgent Genetics
Classification: Uncertain significance for Cerebral palsy, spastic quadriplegic, 2. Last evaluated: 2022-03-30. Review status: criteria provided, single submitter. Criteria: ACMG Guidelines, 2015. Collection method: clinical testing. Allele origin: unknown.

Labcorp Genetics (formerly Invitae), Labcorp
Classification: Uncertain significance. Last evaluated: 2022-02-10. Review status: criteria provided, single submitter. Criteria: Invitae Variant Classification Sherloc (09022015). Collection method: clinical testing. Allele origin: germline.
Comment: This sequence change replaces proline, which is neutral and non-polar, with serine, which is neutral and polar, at codon 145 of the KANK1 protein (p.Pro145Ser). In summary, the available evidence is currently insufficient to determine the role of this variant in disease. Therefore, it has been classified as a Variant of Uncertain Significance. Algorithms developed to predict the effect of missense changes on protein structure and function are either unavailable or do not agree on the potential impact of this missense change (SIFT: "Deleterious"; PolyPhen-2: "Possibly Damaging"; Align-GVGD: "Class C0"). This variant has not been reported in the literature in individuals affected with KANK1-related conditions. This variant is present in population databases (rs771646121, gnomAD 0.02%).

NM_015158.5(KANK1):c.433C>T (p.Pro145Ser)

Gene: KANK1 (KN motif and ankyrin repeat domains 1; plus strand). Cytogenetic location: 9p24.3.
Variant type: single nucleotide variant.
Coding change: c.433C>T on transcript NM_015158.5 (MANE Select); coding-DNA position 433, C replaced by T.
Protein change: p.Pro145Ser; replaces proline 145 with serine.
Molecular consequence: missense variant. On other transcripts: 5 prime UTR variant (12), non-coding transcript variant (1).
Genome position (GRCh38, 1-based): chr9:711,199, C>T. VCF-style: chr9-711199-C-T. GRCh37 (hg19) VCF-style: chr9-711199-C-T.
Other names: c.433C>T, p.Pro145Ser (NM_001256876.3, NM_001256877.3, NM_001354331.2 and 2 more transcripts); c.-42C>T (NM_001354333.2, NM_001354335.2, NM_001354336.2 and 9 more transcripts); c.433C>T (NM_015158.2); short protein forms P145S.
Identifiers: ClinVar variation 1493809 (VCV001493809.11), dbSNP rs771646121, ClinGen allele CA4959943.